The following is an entry in ClinVar:

NM_032043.3(BRIP1):c.3202C>T (p.Pro1068Ser)

Gene: BRIP1 (BRCA1 interacting DNA helicase 1; minus strand). Cytogenetic location: 17q23.2.
Variant type: single nucleotide variant.
Coding change: c.3202C>T on transcript NM_032043.3 (MANE Select); coding-DNA position 3202, C replaced by T.
Protein change: p.Pro1068Ser; replaces proline 1068 with serine.
Molecular consequence: missense variant.
Genome position (GRCh38, 1-based): chr17:61,683,844, G>A on the plus strand (C>T on the coding strand, the complement: BRIP1 is on the minus strand). VCF-style: chr17-61683844-G-A. GRCh37 (hg19) VCF-style: chr17-59761205-G-A.
Other names: short protein forms P1068S.
Identifiers: ClinVar variation 1728839 (VCV001728839.4), dbSNP rs2061316510, ClinGen allele CA400479331.

ClinVar aggregate classification (germline): Conflicting classifications of pathogenicity. Review status: criteria provided, conflicting classifications (1 of 4 stars). 2 submissions from 2 submitters: Uncertain significance (1); Likely benign (1). Last evaluated 2024-02-25.

Conditions:
Fanconi anemia complementation group J. Also called: BRIP1-Related Fanconi Anemia. Identifiers: Orphanet 84, MedGen C1836860, MONDO:0012187, OMIM 609054.
Familial cancer of breast. Also called: BREAST CANCER, FAMILIAL; Hereditary breast cancer; hereditary breast carcinoma. Identifiers: Orphanet 227535, MedGen C0346153, MONDO:0016419, OMIM 114480. Disease mechanism: loss of function.
Hereditary cancer-predisposing syndrome. Also called: Neoplastic Syndromes, Hereditary; Tumor predisposition; Hereditary Cancer Syndrome; Hereditary neoplastic syndrome. Identifiers: Orphanet 140162, MedGen C0027672, MeSH D009386, MONDO:0015356.

Submissions (2):

Labcorp Genetics (formerly Invitae), Labcorp
Classification: Uncertain significance for Familial cancer of breast; Fanconi anemia complementation group J. Last evaluated: 2024-02-25. Review status: criteria provided, single submitter. Criteria: Invitae Variant Classification Sherloc (09022015). Collection method: clinical testing. Allele origin: germline.
Comment: This sequence change replaces proline, which is neutral and non-polar, with serine, which is neutral and polar, at codon 1068 of the BRIP1 protein (p.Pro1068Ser). This variant is not present in population databases (gnomAD no frequency). This variant has not been reported in the literature in individuals affected with BRIP1-related conditions. ClinVar contains an entry for this variant (Variation ID: 1728839). Algorithms developed to predict the effect of missense changes on protein structure and function output the following: SIFT: "Not Available"; PolyPhen-2: "Benign"; Align-GVGD: "Not Available". The serine amino acid residue is found in multiple mammalian species, which suggests that this missense change does not adversely affect protein function. In summary, the available evidence is currently insufficient to determine the role of this variant in disease. Therefore, it has been classified as a Variant of Uncertain Significance.

Ambry Genetics
Classification: Likely benign for Hereditary cancer-predisposing syndrome. Last evaluated: 2021-10-16. Review status: criteria provided, single submitter. Criteria: Ambry Variant Classification Scheme 2023. Collection method: clinical testing. Allele origin: germline.